The following continues an entry in ClinVar:

NM_206933.4(USH2A):c.2276G>T (p.Cys759Phe)

Gene: USH2A. ClinVar aggregate classification (germline): Pathogenic. Pathogenic (1).

Submissions 21 to 37 of 61:

Laboratory of Medical Genetics, National & Kapodistrian University of Athens
Classification: Pathogenic for Usher syndrome type 2A. Last evaluated: 2024-02-01. Review status: criteria provided, single submitter. Criteria: ACMG Guidelines, 2015. Collection method: curation. Allele origin: germline. Affected: no. Not counted in ClinVar's aggregate classification.

Fulgent Genetics
Classification: Pathogenic for Usher syndrome type 2A; Retinitis pigmentosa 39. Last evaluated: 2024-01-31. Review status: criteria provided, single submitter. Criteria: ACMG Guidelines, 2015. Collection method: clinical testing. Allele origin: germline. Not counted in ClinVar's aggregate classification.

ARUP Laboratories, Molecular Genetics and Genomics, ARUP Laboratories
Classification: Pathogenic. Last evaluated: 2023-10-09. Review status: criteria provided, single submitter. Criteria: ARUP Molecular Germline Variant Investigation Process 2024. Collection method: clinical testing. Allele origin: germline. Not counted in ClinVar's aggregate classification.
Comment: The USH2A c.2276G>T; p.Cys759Phe variant (rs80338902) is reported in the medical literature in the homozygous or compound heterozygous state in individuals with retinal disease (Bernal 2003, Carss 2017, Lenassi 2015, Seyedahmadi 2004) and is reported to segregate with disease (Rivolta 2000). The variant is reported to occur at an increased frequency compared to control individuals (Seyedahmadi 2004). However, the variant was also detected in two unaffected individuals in the homozygous state (Bernal 2003). The variant is reported as pathogenic or likely pathogenic for Usher-related disease by several sources in the ClinVar database (Variation ID: 2356); however, the variant was recently classified as a variant of uncertain significance for hearing loss based on an expert panel curation (Azaiez 2018). The variant is reported in the general population with an overall allele frequency of 0.097% (273/282,114 alleles) in the Genome Aggregation Database. The cysteine at codon 759 is moderately conserved, and computational analyses (SIFT, PolyPhen-2) predict that this variant is deleterious. Considering available information, this variant is classified as likely pathogenic. References: Azaiez H et al. Genomic Landscape and Mutational Signatures of Deafness-Associated Genes. Am J Hum Genet. 2018 Oct 4;103(4):484-497. Bernal S et al. Mutations in USH2A in Spanish patients with autosomal recessive retinitis pigmentosa: high prevalence and phenotypic variation. J Med Genet. 2003 Jan;40(1):e8. Carss KJ et al. Comprehensive Rare Variant Analysis via Whole-Genome Sequencing to Determine the Molecular Pathology of Inherited Retinal Disease. Am J Hum Genet. 2017 Jan 5;100(1):75-90. Lenassi E et al. A detailed clinical and molecular survey of subjects with nonsyndromic USH2A retinopathy reveals an allelic hierarchy of disease-causing variants. Eur J Hum Genet. 2015 Oct;23(10):1318-27 Rivolta C et al. Missense mutation in the USH2A gene: association with recessive retinitis pigmentosa without hearing loss. Am J Hum Genet. 2000 Jun;66(6):1975-8. Seyedahmadi BJ et al. Comprehensive screening of the USH2A gene in Usher syndrome type II and non-syndromic recessive retinitis pigmentosa. Exp Eye Res. 2004 Aug;79(2):167-73.

Ophthalmic Genetics Group, Institute of Molecular and Clinical Ophthalmology Basel
Classification: Pathogenic for Retinitis pigmentosa. Last evaluated: 2023-07-24. Review status: criteria provided, single submitter. Criteria: ACMG Guidelines, 2015. Collection method: research. Allele origin: germline. Affected: yes. Observed: 4 variant alleles. Not counted in ClinVar's aggregate classification.
Comment: Clinical significance based on ACMG v2.0

This variant was classified as Pathogenic based on ACMG criteria: PP1, PS4, PM2, PM1, PP3, PP5.

Department of Pathology and Laboratory Medicine, Sinai Health System
Classification: Pathogenic for Usher syndrome type 2A; Retinitis pigmentosa 39. Last evaluated: 2023-04-17. Review status: criteria provided, single submitter. Criteria: ACMG Guidelines, 2015. Collection method: research. Allele origin: germline. Not counted in ClinVar's aggregate classification.

Institute of Human Genetics, University of Leipzig Medical Center
Classification: Pathogenic for Retinitis pigmentosa 39. Last evaluated: 2023-03-16. Review status: criteria provided, single submitter. Criteria: ACMG Guidelines, 2015. Collection method: clinical testing. Allele origin: unknown. Affected: yes. Not counted in ClinVar's aggregate classification.
Comment: This variant was identified as compound heterozygous with NM_206933.4:c.12698G>A._x000D_ Criteria applied: PS4, PM3_STR, PP1, PP3

Institute of Human Genetics, Univ. Regensburg, Univ. Regensburg
Classification: Pathogenic for Retinal dystrophy. Last evaluated: 2023-01-01. Review status: criteria provided, single submitter. Criteria: ACMG Guidelines, 2015. Collection method: clinical testing. Allele origin: germline. Affected: yes. Not counted in ClinVar's aggregate classification.

AURAGEN, Plan France Médecine Génomique
Classification: Pathogenic for Retinal disorder. Last evaluated: 2022-05-09. Review status: criteria provided, single submitter. Criteria: PFMG2025 (Lancet Reg Health Eur. 2025). Collection method: clinical testing. Allele origin: germline. Affected: yes. Not counted in ClinVar's aggregate classification.

MGZ Medical Genetics Center
Classification: Pathogenic for Usher syndrome type 2A. Last evaluated: 2022-02-23. Review status: criteria provided, single submitter. Criteria: ACMG Guidelines, 2015. Collection method: clinical testing. Allele origin: germline. Affected: yes. Observed: 1 variant allele. Not counted in ClinVar's aggregate classification.
Comment: ACMG criteria applied: PS4, PM3_STR, PP1, PP3

Greenwood Genetic Center Diagnostic Laboratories, Greenwood Genetic Center
Classification: Pathogenic for Retinitis pigmentosa 39. Last evaluated: 2021-07-12. Review status: criteria provided, single submitter. Criteria: ACMG Guidelines, 2015. Collection method: clinical testing. Allele origin: germline. Affected: yes. Not counted in ClinVar's aggregate classification.
Comment: PS1, PS4, PP3, PP4, PM3

Kariminejad - Najmabadi Pathology & Genetics Center
Classification: Pathogenic for Ear malformation. Last evaluated: 2021-07-10. Review status: criteria provided, single submitter. Criteria: ACMG Guidelines, 2015. Collection method: clinical testing. Allele origin: germline. Affected: yes. Not counted in ClinVar's aggregate classification.

Genome-Nilou Lab
Classification: Pathogenic for Usher syndrome type 2A. Last evaluated: 2021-05-18. Review status: criteria provided, single submitter. Criteria: ACMG Guidelines, 2015. Collection method: clinical testing. Allele origin: germline. Affected: no. Not counted in ClinVar's aggregate classification.

Genetics and Molecular Pathology, SA Pathology
Classification: Pathogenic for Retinal dystrophy. Last evaluated: 2021-04-15. Review status: criteria provided, single submitter. Criteria: ACMG Guidelines, 2015. Collection method: clinical testing. Allele origin: germline. Affected: yes. Not counted in ClinVar's aggregate classification.
Comment: The USH2A c.2276G>T variant is classified as Pathogenic (PS4, PM3_Strong, PP1, PP3) The USH2A c.2276G>T variant is a single nucleotide change in the USH2A gene, which is predicted to change the amino acid cysteine at position 759 in the protein to phenylalanine. The variant has been reported in probands with a clinical presentation of Retinal dystrophy (PS4). PMID: 29912909. This variant segregates with disease in multiple unrelated families with Usher syndrome type II and non-syndromic ARRP (Pérez-Carro et al., 2018, PMID:29912909, Rivolta et al., 2000, PMID:10775529, Bernal at al, 2003, PMID:12525556, Ávila-Fernández et al., 2010, PMID:21151602) (PP1). This variant has been detected in trans with a pathogenic variant for this recessive condition (PM3). Computational predictions support a deleterious effect on the gene or gene product (PP3). Cysteine at position 759 is highly conserved (PhyloP=5.53) located in the EGF-like, laminin domain. Substitution with Phenylalanine is a non-conservative change (Grantham Score =205). Computational analysis predicts this change is damaging (CADD=33, SIFT=Deleterious). The variant has been reported in dbSNP (rs80338902) and has been reported as Pathogenic/Likely pathogenic by other diagnostic laboratories (ClinVar Variation ID: 2356).

Ocular Genomics Institute, Massachusetts Eye and Ear
Classification: Likely pathogenic for Retinitis pigmentosa 39. Last evaluated: 2021-04-08. Review status: criteria provided, single submitter. Criteria: ACMG Guidelines, 2015. Collection method: research. Allele origin: germline. Affected: yes. Not counted in ClinVar's aggregate classification.
Comment: Through a review of available evidence we were able to apply the following criteria: PM2, PM3, PP1, PP3. Based on this evidence we have classified this variant as Likely Pathogenic.

Broad Center for Mendelian Genomics, Broad Institute of MIT and Harvard
Classification: Likely pathogenic for Retinitis pigmentosa. Last evaluated: 2021-04-01. Review status: criteria provided, single submitter. Criteria: ACMG Guidelines, 2015. Collection method: curation. Allele origin: germline. Inheritance: Autosomal recessive inheritance. Affected: yes. Not counted in ClinVar's aggregate classification.
Comment: Through a review of available evidence we were able to apply the following criteria: PM2, PM3, PP1, PP3. Based on this evidence we have classified this variant as Likely Pathogenic. If you have any questions about the classification please reach out to the Pierce Lab.

Institute of Medical Genetics and Applied Genomics, University Hospital Tübingen
Classification: Pathogenic. Last evaluated: 2020-10-23. Review status: criteria provided, single submitter. Criteria: ACMG Guidelines, 2015. Collection method: clinical testing. Allele origin: germline. Inheritance: Unknown mechanism. Affected: yes. Not counted in ClinVar's aggregate classification.

Laboratorio de Genetica e Diagnostico Molecular, Hospital Israelita Albert Einstein
Classification: Likely pathogenic. Last evaluated: 2020-02-10. Review status: criteria provided, single submitter. Criteria: ACMG Guidelines, 2015. Collection method: clinical testing. Allele origin: germline. Affected: yes. Not counted in ClinVar's aggregate classification.
Comment: ACMG classification criteria: PS4, PM3, PP1, PP3